The following is an entry in ClinVar:

ClinVar aggregate classification (germline): Uncertain significance. Review status: criteria provided, multiple submitters, no conflicts (2 of 4 stars). 2 submissions from 2 submitters: Uncertain significance (2). Last evaluated 2025-10-27.

Allele frequency attached by ClinVar (database versions not stated): gnomAD 0.00004; TOPMed 0.00006; gnomAD exomes below 0.00001.
gnomAD v4.1: 7 of 1,206,263 alleles (0.00058%); highest among the groups gnomAD compares: Admixed American, 0.0022%; no homozygotes.

Submissions (2):

Labcorp Genetics (formerly Invitae), Labcorp
Classification: Uncertain significance. Last evaluated: 2025-10-27. Review status: criteria provided, single submitter. Criteria: Invitae Variant Classification Sherloc (09022015). Collection method: clinical testing. Allele origin: germline.
Comment: This sequence change replaces isoleucine, which is neutral and non-polar, with valine, which is neutral and non-polar, at codon 461 of the SH3KBP1 protein (p.Ile461Val). This variant is present in population databases (no rsID available, gnomAD 0.001%). This variant has not been reported in the literature in individuals affected with SH3KBP1-related conditions. ClinVar contains an entry for this variant (Variation ID: 3021269). Invitae Evidence Modeling of protein sequence and biophysical properties (such as structural, functional, and spatial information, amino acid conservation, physicochemical variation, residue mobility, and thermodynamic stability) indicates that this missense variant is not expected to disrupt SH3KBP1 protein function with a negative predictive value of 80%. In summary, the available evidence is currently insufficient to determine the role of this variant in disease. Therefore, it has been classified as a Variant of Uncertain Significance.

Ambry Genetics
Classification: Uncertain significance. Last evaluated: 2023-11-18. Review status: criteria provided, single submitter. Criteria: Ambry Variant Classification Scheme 2023. Collection method: clinical testing. Allele origin: germline.

NM_031892.3(SH3KBP1):c.1381A>G (p.Ile461Val)

Gene: SH3KBP1 (SH3 domain containing kinase binding protein 1; minus strand). Cytogenetic location: Xp22.12.
Variant type: single nucleotide variant.
Coding change: c.1381A>G on transcript NM_031892.3 (MANE Select); coding-DNA position 1381, A replaced by G.
Protein change: p.Ile461Val; replaces isoleucine 461 with valine.
Molecular consequence: missense variant.
Genome position (GRCh38, 1-based): chrX:19,569,106, T>C on the plus strand (A>G on the coding strand, the complement: SH3KBP1 is on the minus strand). VCF-style: chrX-19569106-T-C. GRCh37 (hg19) VCF-style: chrX-19587224-T-C.
Other names: c.1381A>G (NM_031892.2); c.1270A>G, p.Ile424Val (NM_001024666.3); c.667A>G, p.Ile223Val (NM_001184960.2, NM_001353897.2); c.1381A>G, p.Ile461Val (NM_001353890.2); c.1456A>G, p.Ile486Val (NM_001353891.2, NM_001353892.2); c.1279A>G, p.Ile427Val (NM_001353893.2, NM_001353894.2); c.1336A>G, p.Ile446Val (NM_001353895.2); c.1513A>G, p.Ile505Val (NM_001410756.1, NM_001410757.1); and 1 more; short protein forms I402V, I446V, I461V, I223V, I424V, I486V, I427V, I505V.
Identifiers: ClinVar variation 3021269 (VCV003021269.4), dbSNP rs1415297708, ClinGen allele CA412498099.